The following is an entry in ClinVar:

ClinVar aggregate classification (germline): Likely benign (1 of 4 stars; one submission).

Allele frequency attached by ClinVar (database versions not stated): gnomAD exomes below 0.00001; ExAC 0.00001; gnomAD 0.00001; TOPMed 0.00002.
gnomAD v4.1: 2 of 1,614,072 alleles (0.00012%); highest among the groups gnomAD compares: African/African-American, 0.0013%; no homozygotes.

Submission:

GeneDx
Classification: Likely benign. Last evaluated: 2018-02-05. Review status: criteria provided, single submitter. Criteria: GeneDx Variant Classification (06012015). Collection method: clinical testing. Allele origin: germline. Affected: yes.
Comment: This variant is considered likely benign or benign based on one or more of the following criteria: it is a conservative change, it occurs at a poorly conserved position in the protein, it is predicted to be benign by multiple in silico algorithms, and/or has population frequency not consistent with disease.

NM_022464.5(SIL1):c.567C>T (p.Ile189=)

Gene: SIL1 (SIL1 nucleotide exchange factor; minus strand). Cytogenetic location: 5q31.2.
Variant type: single nucleotide variant.
Coding change: c.567C>T on transcript NM_022464.5 (MANE Select); coding-DNA position 567, C replaced by T.
Protein change: p.Ile189=; no amino-acid change (isoleucine 189 retained).
Molecular consequence: synonymous variant.
Genome position (GRCh38, 1-based): chr5:139,026,879, G>A on the plus strand (C>T on the coding strand, the complement: SIL1 is on the minus strand). VCF-style: chr5-139026879-G-A. GRCh37 (hg19) VCF-style: chr5-138362568-G-A.
Other names: c.567C>T, p.Ile189= (NM_001037633.2).
Identifiers: ClinVar variation 515177 (VCV000515177.1), dbSNP rs760365354, ClinGen allele CA3432549.